The following is an entry in ClinVar:

NM_002972.4(SBF1):c.410C>T (p.Ser137Leu)

Gene: SBF1 (SET binding factor 1; minus strand). Cytogenetic location: 22q13.33.
Variant type: single nucleotide variant.
Coding change: c.410C>T on transcript NM_002972.4 (MANE Select); coding-DNA position 410, C replaced by T.
Protein change: p.Ser137Leu; replaces serine 137 with leucine.
Molecular consequence: missense variant.
Genome position (GRCh38, 1-based): chr22:50,467,560, G>A on the plus strand (C>T on the coding strand, the complement: SBF1 is on the minus strand). VCF-style: chr22-50467560-G-A. GRCh37 (hg19) VCF-style: chr22-50905989-G-A.
Other names: c.413C>T, p.Ser138Leu (NM_001365819.1); c.410C>T (NM_002972.3); short protein forms S137L, S138L.
Identifiers: ClinVar variation 1479498 (VCV001479498.9), dbSNP rs1307179149, ClinGen allele CA412223202.

ClinVar aggregate classification (germline): Conflicting classifications of pathogenicity. Review status: criteria provided, conflicting classifications (1 of 4 stars). 2 submissions from 2 submitters: Uncertain significance (1); Benign (1). Last evaluated 2025-02-17.

Conditions:
Tip-toe gait. Also called: Toe walking. Identifiers: MedGen C0427144, HP:0030051.

Allele frequency attached by ClinVar (database versions not stated): gnomAD exomes 0.00002 and 0.00001; TOPMed below 0.00001.
gnomAD v4.1: 12 of 1,614,150 alleles (0.00074%); highest among the groups gnomAD compares: South Asian, 0.0044%; no homozygotes.

Submissions (2):

Labcorp Genetics (formerly Invitae), Labcorp
Classification: Uncertain significance. Last evaluated: 2025-02-17. Review status: criteria provided, single submitter. Criteria: Invitae Variant Classification Sherloc (09022015). Collection method: clinical testing. Allele origin: germline.
Comment: This sequence change replaces serine, which is neutral and polar, with leucine, which is neutral and non-polar, at codon 137 of the SBF1 protein (p.Ser137Leu). This variant is present in population databases (no rsID available, gnomAD 0.01%). This missense change has been observed in individual(s) with Charcot-Marie-Tooth disease (internal data). ClinVar contains an entry for this variant (Variation ID: 1479498). Invitae Evidence Modeling of protein sequence and biophysical properties (such as structural, functional, and spatial information, amino acid conservation, physicochemical variation, residue mobility, and thermodynamic stability) indicates that this missense variant is expected to disrupt SBF1 protein function with a positive predictive value of 80%. In summary, the available evidence is currently insufficient to determine the role of this variant in disease. Therefore, it has been classified as a Variant of Uncertain Significance.

Practice for Gait Abnormalities, David Pomarino, Competency Network Toe Walking C/o Practice Pomarino
Classification: Benign for Tip-toe gait. Last evaluated: 2021-01-29. Review status: criteria provided, single submitter. Criteria: Pomarino et al. (Glob Med Genet. 2026). Collection method: clinical testing. Allele origin: germline. Affected: yes.